The following is an entry in ClinVar:

ClinVar aggregate classification (germline): Uncertain significance (1 of 4 stars; one submission).

Allele frequency attached by ClinVar (database versions not stated): TOPMed 0.00002; gnomAD 0.00005; 1000 Genomes Project 30x 0.00031.
gnomAD v4.1: 32 of 1,532,398 alleles (0.0021%); highest among the groups gnomAD compares: Non-Finnish European, 0.0027%; no homozygotes.

Submission:

Labcorp Genetics (formerly Invitae), Labcorp
Classification: Uncertain significance. Last evaluated: 2024-10-16. Review status: criteria provided, single submitter. Criteria: Invitae Variant Classification Sherloc (09022015). Collection method: clinical testing. Allele origin: germline.
Comment: This sequence change replaces alanine, which is neutral and non-polar, with aspartic acid, which is acidic and polar, at codon 1134 of the COL18A1 protein (p.Ala1134Asp). The frequency data for this variant in the population databases is considered unreliable, as metrics indicate poor data quality at this position in the gnomAD database. This variant has not been reported in the literature in individuals affected with COL18A1-related conditions. ClinVar contains an entry for this variant (Variation ID: 1953875). Experimental studies and prediction algorithms are not available or were not evaluated, and the functional significance of this variant is currently unknown. In summary, the available evidence is currently insufficient to determine the role of this variant in disease. Therefore, it has been classified as a Variant of Uncertain Significance.

NM_001379500.1(COL18A1):c.3410C>A (p.Ala1137Asp)

Genes: COL18A1 (collagen type XVIII alpha 1 chain; plus strand), SLC19A1 (solute carrier family 19 member 1; minus strand). Cytogenetic location: 21q22.3.
Variant type: single nucleotide variant.
Coding change: c.3410C>A on transcript NM_001379500.1 (MANE Select); coding-DNA position 3410, C replaced by A.
Protein change: p.Ala1137Asp; replaces alanine 1137 with aspartic acid.
Molecular consequence: missense variant.
Genome position (GRCh38, 1-based): chr21:45,509,516, C>A. VCF-style: chr21-45509516-C-A. GRCh37 (hg19) VCF-style: chr21-46929430-C-A.
Other names: c.3941C>A, p.Ala1314Asp (NM_030582.4); c.4646C>A, p.Ala1549Asp (NM_130444.3); short protein forms A1549D, A1314D, A1137D.
Identifiers: ClinVar variation 1953875 (VCV001953875.4), dbSNP rs756361479, ClinGen allele CA10067880.
Genomic context (GRCh38, chr21:45,509,516, plus strand): 5'-GGGCAGATGACATCCTGGCCAGCCCCCCTCGCCTGCCCGAGCCCCAGCCCTACCCCGGAG[C>A]CCCGCACCACAGCTCCTACGTGCACCTGCGGCCGGCGCGACCCACAAGCCCACCCGCCCA-3'
Protein context (NP_001366429.1, residues 1127-1147): RLPEPQPYPG[Ala1137Asp]PHHSSYVHLR